The following is an entry in ClinVar:

NM_003982.4(SLC7A7):c.1130A>G (p.Asp377Gly)

Gene: SLC7A7 (solute carrier family 7 member 7; minus strand). Cytogenetic location: 14q11.2.
Variant type: single nucleotide variant.
Coding change: c.1130A>G on transcript NM_003982.4 (MANE Select); coding-DNA position 1130, A replaced by G.
Protein change: p.Asp377Gly; replaces aspartic acid 377 with glycine.
Molecular consequence: missense variant.
Genome position (GRCh38, 1-based): chr14:22,774,469, T>C on the plus strand (A>G on the coding strand, the complement: SLC7A7 is on the minus strand). VCF-style: chr14-22774469-T-C. GRCh37 (hg19) VCF-style: chr14-23243678-T-C.
Other names: c.1130A>G, p.Asp377Gly (NM_001126105.3, NM_001126106.4); short protein forms D377G.
Identifiers: ClinVar variation 2172523 (VCV002172523.1), dbSNP rs1023321420, ClinGen allele CA257724966.

ClinVar aggregate classification (germline): Uncertain significance (1 of 4 stars; one submission).

Conditions:
Lysinuric protein intolerance (LPI). Identifiers: Orphanet 470, MedGen C0268647, MONDO:0009109, OMIM 222700.

Allele frequency attached by ClinVar (database versions not stated): gnomAD exomes below 0.00001; gnomAD 0.00001; TOPMed 0.00001.
gnomAD v4.1: 3 of 1,614,012 alleles (0.00019%); highest among the groups gnomAD compares: Non-Finnish European, 0.00025%; no homozygotes.

Submission:

Labcorp Genetics (formerly Invitae), Labcorp
Classification: Uncertain significance for Lysinuric protein intolerance. Last evaluated: 2022-08-13. Review status: criteria provided, single submitter. Criteria: Invitae Variant Classification Sherloc (09022015). Collection method: clinical testing. Allele origin: germline.
Comment: This sequence change replaces aspartic acid, which is acidic and polar, with glycine, which is neutral and non-polar, at codon 377 of the SLC7A7 protein (p.Asp377Gly). This variant is not present in population databases (gnomAD no frequency). This variant has not been reported in the literature in individuals affected with SLC7A7-related conditions. Algorithms developed to predict the effect of missense changes on protein structure and function are either unavailable or do not agree on the potential impact of this missense change (SIFT: "Deleterious"; PolyPhen-2: "Probably Damaging"; Align-GVGD: "Class C15"). In summary, the available evidence is currently insufficient to determine the role of this variant in disease. Therefore, it has been classified as a Variant of Uncertain Significance.